The following is an entry in ClinVar:

ClinVar aggregate classification (germline): Uncertain significance (1 of 4 stars; one submission).

Allele frequency attached by ClinVar (database versions not stated): ExAC 0.00001; gnomAD exomes 0.00001.
gnomAD v4.1: 6 of 1,614,166 alleles (0.00037%); highest among the groups gnomAD compares: Non-Finnish European, 0.000085%; no homozygotes.

Submission:

Labcorp Genetics (formerly Invitae), Labcorp
Classification: Uncertain significance. Last evaluated: 2021-09-18. Review status: criteria provided, single submitter. Criteria: Invitae Variant Classification Sherloc (09022015). Collection method: clinical testing. Allele origin: germline.
Comment: This sequence change replaces glutamic acid with glycine at codon 1962 of the POLE protein (p.Glu1962Gly). The glutamic acid residue is weakly conserved and there is a moderate physicochemical difference between glutamic acid and glycine. This variant is present in population databases (rs764022756, ExAC 0.001%). In summary, the available evidence is currently insufficient to determine the role of this variant in disease. Therefore, it has been classified as a Variant of Uncertain Significance. Algorithms developed to predict the effect of missense changes on protein structure and function output the following: SIFT: "Tolerated"; PolyPhen-2: "Benign"; Align-GVGD: "Class C0". The glycine amino acid residue is found in multiple mammalian species, suggesting that this missense change does not adversely affect protein function. These predictions have not been confirmed by published functional studies and their clinical significance is uncertain. This variant has not been reported in the literature in individuals with POLE-related conditions.

NM_006231.4(POLE):c.5885A>G (p.Glu1962Gly)

Gene: POLE (DNA polymerase epsilon, catalytic subunit; minus strand). Cytogenetic location: 12q24.33.
Variant type: single nucleotide variant.
Coding change: c.5885A>G on transcript NM_006231.4 (MANE Select); coding-DNA position 5885, A replaced by G.
Protein change: p.Glu1962Gly; replaces glutamic acid 1962 with glycine.
Molecular consequence: missense variant.
Genome position (GRCh38, 1-based): chr12:132,634,305, T>C on the plus strand (A>G on the coding strand, the complement: POLE is on the minus strand). VCF-style: chr12-132634305-T-C. GRCh37 (hg19) VCF-style: chr12-133210891-T-C.
Other names: short protein forms E1962G.
Identifiers: ClinVar variation 1397830 (VCV001397830.8), dbSNP rs764022756, ClinGen allele CA6892347.
Genomic context (GRCh38, chr12:132,634,305, plus strand): 5'-ATGTTCCAGTTGTTTTCCAGTAAATCCTCCACGTTGGATTCCTCCGCCTCTTCCTCCTCC[T>C]CCCCATCTCTTTCCTCCTCATCGTCCTCATTTTCCTGCTCATCCTCTGCTCCCCCTGCTT-3'
Protein context (NP_006222.2, residues 1952-1972): NEDDEEERDG[Glu1962Gly]EEEEAEESNV